The following is an entry in ClinVar:

ClinVar aggregate classification (germline): Pathogenic/Likely pathogenic. Review status: criteria provided, multiple submitters, no conflicts (2 of 4 stars). 4 submissions from 4 submitters: Pathogenic (1); Likely pathogenic (1). 2 of the submissions do not count toward it. Last evaluated 2026-07-31.

Conditions:
Intellectual developmental disorder, autosomal dominant 22. Also called: Intellectual disability, autosomal dominant 22. Identifiers: MedGen CN029689, MONDO:0012869, OMIM 612337.

Submissions (4):

Department of Human Genetics, Hannover Medical School
Classification: Likely pathogenic for Intellectual developmental disorder, autosomal dominant 22. Last evaluated: 2026-07-31. Review status: criteria provided, single submitter. Criteria: ACMG Guidelines, 2015. Collection method: clinical testing. Allele origin: germline. Affected: yes.
Comment: ACMG/ClinGen SVC: PS2_Moderate, PM1, PM2_Supporting, PP2 (PMID: 2759882, 36937954, 39829082)

GeneDx
Classification: Pathogenic. Last evaluated: 2023-12-18. Review status: criteria provided, single submitter. Criteria: GeneDx Variant Classification Process June 2021. Collection method: clinical testing. Allele origin: germline. Affected: yes.
Comment: Not observed at significant frequency in large population cohorts (gnomAD); In silico analysis, which includes protein predictors and evolutionary conservation, supports a deleterious effect; This variant is associated with the following publications: (PMID: 27598823)

OMIM
Classification: Pathogenic for INTELLECTUAL DEVELOPMENTAL DISORDER, AUTOSOMAL DOMINANT 22. Last evaluated: 2022-04-05. Review status: no assertion criteria provided. Collection method: literature only. Allele origin: germline. Not counted in ClinVar's aggregate classification.

Kasturba Medical College, Manipal, Kasturba Medical College, Manipal, Manipal Academy of Higher Education, Manipal, India
Classification: Pathogenic for Intellectual developmental disorder, autosomal dominant 22. Review status: no assertion criteria provided. Collection method: clinical testing. Allele origin: germline. Inheritance: Autosomal dominant inheritance. Affected: yes. Not counted in ClinVar's aggregate classification.

Literature cited by the submitters: PubMed 27598823 (cited by OMIM).

NM_205768.3(ZBTB18):c.1390C>T (p.Arg464Cys)

Gene: ZBTB18 (zinc finger and BTB domain containing 18; plus strand). Cytogenetic location: 1q44.
Variant type: single nucleotide variant.
Coding change: c.1390C>T on transcript NM_205768.3 (MANE Select); coding-DNA position 1390, C replaced by T.
Protein change: p.Arg464Cys; replaces arginine 464 with cysteine.
Molecular consequence: missense variant.
Genome position (GRCh38, 1-based): chr1:244,055,164, C>T. VCF-style: chr1-244055164-C-T. GRCh37 (hg19) VCF-style: chr1-244218466-C-T.
Other names: c.1363C>T, p.Arg455Cys (NM_001278196.2, NM_006352.5); short protein forms R464C, R455C.
Identifiers: ClinVar variation 440857 (VCV000440857.9), dbSNP rs750922282, ClinGen allele CA345675023.